The following is an entry in ClinVar:

NM_000368.5(TSC1):c.3281A>G (p.Glu1094Gly)

Gene: TSC1 (TSC complex subunit 1; minus strand). Cytogenetic location: 9q34.13.
Variant type: single nucleotide variant.
Coding change: c.3281A>G on transcript NM_000368.5 (MANE Select); coding-DNA position 3281, A replaced by G.
Protein change: p.Glu1094Gly; replaces glutamic acid 1094 with glycine.
Molecular consequence: missense variant.
Genome position (GRCh38, 1-based): chr9:132,896,449, T>C on the plus strand (A>G on the coding strand, the complement: TSC1 is on the minus strand). VCF-style: chr9-132896449-T-C. GRCh37 (hg19) VCF-style: chr9-135771836-T-C.
Other names: c.3278A>G, p.Glu1093Gly (NM_001162426.2); c.3128A>G, p.Glu1043Gly (NM_001162427.2); c.2918A>G, p.Glu973Gly (NM_001362177.2); short protein forms E1043G, E973G, E1093G, E1094G.
Identifiers: ClinVar variation 823415 (VCV000823415.7), dbSNP rs1588286774, ClinGen allele CA375366745.

ClinVar aggregate classification (germline): Uncertain significance. Review status: criteria provided, multiple submitters, no conflicts (2 of 4 stars). 2 submissions from 2 submitters: Uncertain significance (2). Last evaluated 2024-02-29.

Conditions:
Hereditary cancer-predisposing syndrome. Also called: Hereditary Cancer Syndrome; Neoplastic Syndromes, Hereditary; Hereditary neoplastic syndrome; Tumor predisposition. Identifiers: Orphanet 140162, MedGen C0027672, MeSH D009386, MONDO:0015356.
Tuberous sclerosis 1 (TSC1). Identifiers: Orphanet 805, MedGen C1854465, MONDO:0008612, OMIM 191100.

Submissions (2):

Labcorp Genetics (formerly Invitae), Labcorp
Classification: Uncertain significance for Tuberous sclerosis 1. Last evaluated: 2024-02-29. Review status: criteria provided, single submitter. Criteria: Invitae Variant Classification Sherloc (09022015). Collection method: clinical testing. Allele origin: germline.
Comment: This sequence change replaces glutamic acid, which is acidic and polar, with glycine, which is neutral and non-polar, at codon 1094 of the TSC1 protein (p.Glu1094Gly). This variant is not present in population databases (gnomAD no frequency). This variant has not been reported in the literature in individuals affected with TSC1-related conditions. ClinVar contains an entry for this variant (Variation ID: 823415). Advanced modeling of protein sequence and biophysical properties (such as structural, functional, and spatial information, amino acid conservation, physicochemical variation, residue mobility, and thermodynamic stability) performed at Invitae indicates that this missense variant is not expected to disrupt TSC1 protein function with a negative predictive value of 95%. In summary, the available evidence is currently insufficient to determine the role of this variant in disease. Therefore, it has been classified as a Variant of Uncertain Significance.

Ambry Genetics
Classification: Uncertain significance for Hereditary cancer-predisposing syndrome. Last evaluated: 2019-08-07. Review status: criteria provided, single submitter. Criteria: Ambry Variant Classification Scheme 2023. Collection method: clinical testing. Allele origin: germline.
Comment: The p.E1094G variant (also known as c.3281A>G), located in coding exon 21 of the TSC1 gene, results from an A to G substitution at nucleotide position 3281. The glutamic acid at codon 1094 is replaced by glycine, an amino acid with similar properties. This amino acid position is highly conserved in available vertebrate species. In addition, the in silico prediction for this alteration is inconclusive. Since supporting evidence is limited at this time, the clinical significance of this alteration remains unclear.